The following is an entry in ClinVar:

ClinVar aggregate classification (germline): Uncertain significance. Review status: criteria provided, multiple submitters, no conflicts (2 of 4 stars). 2 submissions from 2 submitters: Uncertain significance (2). Last evaluated 2020-04-09.

Conditions:
3-Methylglutaconic aciduria type 2 (BTHS). Also called: CARDIOSKELETAL MYOPATHY WITH NEUTROPENIA AND ABNORMAL MITOCHONDRIA; Barth syndrome. Identifiers: Orphanet 111, MedGen C0574083, MONDO:0010543, OMIM 302060.

Allele frequency attached by ClinVar (database versions not stated): gnomAD exomes below 0.00001.
gnomAD v4.1: 5 of 1,207,561 alleles (0.00041%); highest among the groups gnomAD compares: Non-Finnish European, 0.00056%; no homozygotes.

Submissions (2):

Blueprint Genetics
Classification: Uncertain significance. Last evaluated: 2020-04-09. Review status: criteria provided, single submitter. Criteria: ACMG Guidelines, 2015. Collection method: clinical testing. Allele origin: germline.

Labcorp Genetics (formerly Invitae), Labcorp
Classification: Uncertain significance for 3-Methylglutaconic aciduria type 2. Last evaluated: 2018-07-03. Review status: criteria provided, single submitter. Criteria: Invitae Variant Classification Sherloc (09022015). Collection method: clinical testing. Allele origin: germline.
Comment: This sequence change replaces tryptophan with cysteine at codon 17 of the TAZ protein (p.Trp17Cys). The tryptophan residue is moderately conserved and there is a large physicochemical difference between tryptophan and cysteine. This variant is not present in population databases (ExAC no frequency). This variant has not been reported in the literature in individuals with TAZ-related disease. Algorithms developed to predict the effect of missense changes on protein structure and function are either unavailable or do not agree on the potential impact of this missense change (SIFT: "Deleterious"; PolyPhen-2: "Possibly Damaging"; Align-GVGD: "Class C0"). In summary, the available evidence is currently insufficient to determine the role of this variant in disease. Therefore, it has been classified as a Variant of Uncertain Significance.

NM_000116.5(TAFAZZIN):c.51G>T (p.Trp17Cys)

Genes: DNASE1L1 (deoxyribonuclease 1 like 1; minus strand), TAFAZZIN (tafazzin, phospholipid-lysophospholipid transacylase; plus strand), LOC130068869 (ATAC-STARR-seq lymphoblastoid silent region 21101; plus strand). Cytogenetic location: Xq28.
Variant type: single nucleotide variant.
Coding change: c.51G>T on transcript NM_000116.5 (MANE Select); coding-DNA position 51, G replaced by T.
Protein change: p.Trp17Cys; replaces tryptophan 17 with cysteine.
Molecular consequence: missense variant. On other transcripts: 5 prime UTR variant (3), non-coding transcript variant (1).
Genome position (GRCh38, 1-based): chrX:154,411,894, G>T. VCF-style: chrX-154411894-G-T. GRCh37 (hg19) VCF-style: chrX-153640231-G-T.
Other names: c.-434C>A (NM_001009932.3); c.-176C>A (NM_001009933.3); c.-91C>A (NM_001009934.3); c.51G>T, p.Trp17Cys (NM_001303465.2, NM_001410698.1, NM_001440856.1 and 5 more transcripts); short protein forms W17C.
Identifiers: ClinVar variation 656713 (VCV000656713.4), dbSNP rs1603376560, ClinGen allele CA415178217.